The following is an entry in ClinVar:

ClinVar aggregate classification (germline): Likely pathogenic (1 of 4 stars; one submission).

Conditions:
Autosomal recessive limb-girdle muscular dystrophy type 2J (LGMDR10). Also called: Limb-girdle muscular dystrophy, type 2J; MUSCULAR DYSTROPHY, LIMB-GIRDLE, AUTOSOMAL RECESSIVE 10. Identifiers: Orphanet 140922, MedGen C1837342, MONDO:0012127, OMIM 608807.
Dilated cardiomyopathy 1G (CMD1G). Identifiers: Orphanet 154, MedGen C1858763, MONDO:0011400, OMIM 604145.

Submission:

Labcorp Genetics (formerly Invitae), Labcorp
Classification: Likely pathogenic for Dilated cardiomyopathy 1G; Autosomal recessive limb-girdle muscular dystrophy type 2J. Last evaluated: 2024-10-19. Review status: criteria provided, single submitter. Criteria: Invitae Variant Classification Sherloc (09022015). Collection method: clinical testing. Allele origin: germline.
Comment: This sequence change creates a premature translational stop signal (p.Trp20754*) in the TTN gene. While this is not anticipated to result in nonsense mediated decay, it is expected to create a truncated TTN protein. This variant is not present in population databases (gnomAD no frequency). This variant has not been reported in the literature in individuals affected with TTN-related conditions. This variant is located in the A band of TTN (PMID: 25589632). Truncating variants in this region are significantly overrepresented in patients affected with dilated cardiomyopathy (PMID: 25589632). Truncating variants in this region have also been reported in individuals affected with autosomal recessive centronuclear myopathy (PMID: 23975875). In summary, the currently available evidence indicates that the variant is pathogenic, but additional data are needed to prove that conclusively. Therefore, this variant has been classified as Likely Pathogenic.

Literature cited by the submitters: PubMed 25589632; PubMed 23975875.

NM_001267550.2(TTN):c.62261G>A (p.Trp20754Ter)

Genes: TTN (titin; minus strand), TTN-AS1 (TTN antisense RNA 1; plus strand). Cytogenetic location: 2q31.2.
Variant type: single nucleotide variant.
Coding change: c.62261G>A on transcript NM_001267550.2 (MANE Select); coding-DNA position 62261, G replaced by A.
Protein change: p.Trp20754Ter; replaces tryptophan 20754 with a stop codon.
Molecular consequence: nonsense.
Genome position (GRCh38, 1-based): chr2:178,589,464, C>T on the plus strand (G>A on the coding strand, the complement: TTN is on the minus strand). VCF-style: chr2-178589464-C-T. GRCh37 (hg19) VCF-style: chr2-179454191-C-T.
Other names: c.57338G>A, p.Trp19113Ter (NM_001256850.1); c.35066G>A, p.Trp11689Ter (NM_003319.4); c.54557G>A, p.Trp18186Ter (NM_133378.4); c.35441G>A, p.Trp11814Ter (NM_133432.3); c.35642G>A, p.Trp11881Ter (NM_133437.4); short protein forms W11689*, W11814*, W11881*, W18186*, W19113*, W20754*.
Identifiers: ClinVar variation 3749729 (VCV003749729.2).